The following is an entry in ClinVar:

ClinVar aggregate classification (germline): Benign (1 of 4 stars; one submission).

Conditions:
Hereditary spastic paraplegia 15 (SPG15). Also called: SPASTIC PARAPLEGIA 15, AUTOSOMAL RECESSIVE; KJELLIN SYNDROME; SPASTIC PARAPLEGIA AND RETINAL DEGENERATION. Identifiers: Orphanet 100996, MedGen C1849128, MONDO:0010044, OMIM 270700.

Allele frequency attached by ClinVar (database versions not stated): gnomAD 0.01754 and 0.01855; TOPMed 0.02023; 1000 Genomes Project 0.02396; 1000 Genomes Project 30x 0.02655.

Submission:

Illumina Laboratory Services, Illumina
Classification: Benign for Hereditary spastic paraplegia 15. Last evaluated: 2018-01-12. Review status: criteria provided, single submitter. Criteria: ICSL Variant Classification Criteria 13 December 2019. Collection method: clinical testing. Allele origin: germline.
Comment: This variant was observed in the ICSL laboratory as part of a predisposition screen in an ostensibly healthy population. It had not been previously curated by ICSL or reported in the Human Gene Mutation Database (HGMD: prior to June 1st, 2018), and was therefore a candidate for classification through an automated scoring system. Utilizing variant allele frequency, disease prevalence and penetrance estimates, and inheritance mode, an automated score was calculated to assess if this variant is too frequent to cause the disease. Based on the score and internal cut-off values, a variant classified as benign is not then subjected to further curation. The score for this variant resulted in a classification of benign for this disease.

NM_015346.4(ZFYVE26):c.*1133A>G

Gene: ZFYVE26 (zinc finger FYVE-type containing 26; minus strand). Cytogenetic location: 14q24.1.
Variant type: single nucleotide variant.
Coding change: c.*1133A>G on transcript NM_015346.4 (MANE Select); 1133 bases downstream of the stop codon, A replaced by G.
Molecular consequence: 3 prime UTR variant.
Genome position (GRCh38, 1-based): chr14:67,747,303, T>C on the plus strand (A>G on the coding strand, the complement: ZFYVE26 is on the minus strand). VCF-style: chr14-67747303-T-C. GRCh37 (hg19) VCF-style: chr14-68214020-T-C.
Identifiers: ClinVar variation 313855 (VCV000313855.5), dbSNP rs73276687, ClinGen allele CA10640671.